The following is an entry in ClinVar:

NM_020988.3(GNAO1):c.723+9C>T

Gene: GNAO1 (G protein subunit alpha o1; plus strand). Cytogenetic location: 16q13.
Variant type: single nucleotide variant.
Coding change: c.723+9C>T on transcript NM_020988.3 (MANE Select); 9 bases into the intron after coding-DNA position 723, C replaced by T.
Molecular consequence: intron variant.
Genome position (GRCh38, 1-based): chr16:56,336,869, C>T. VCF-style: chr16-56336869-C-T. GRCh37 (hg19) VCF-style: chr16-56370781-C-T.
Other names: c.723+9C>T (NM_138736.3).
Identifiers: ClinVar variation 2153730 (VCV002153730.6), dbSNP rs371451695, ClinGen allele CA8063836.
Genomic context (GRCh38, chr16:56,336,869, plus strand): 5'-CTGTGTCGCGCTCAGCGGCTATGACCAGGTGCTCCACGAAGACGAAACCACGGTGAGTGG[C>T]CTGGGCCCCCCGGGCAGGGGGCAGCGCTGAGGAGACGGCCGCAGGATAGGCCAGCCCTCT-3'

ClinVar aggregate classification (germline): Conflicting classifications of pathogenicity. Review status: criteria provided, conflicting classifications (1 of 4 stars). 2 submissions from 2 submitters: Uncertain significance (1); Likely benign (1). Last evaluated 2023-04-14.

Conditions:
Early-infantile DEE. Also called: Early infantile epileptic encephalopathy; Ohtahara syndrome; Early infantile epileptic encephalopathy with suppression bursts. Identifiers: Orphanet 1934, MedGen C0393706, MONDO:0800491.
Neurodevelopmental disorder with involuntary movements (NEDIM). Identifiers: Orphanet 592564, MedGen C4479569, MONDO:0060491, OMIM 617493.
Developmental and epileptic encephalopathy, 17 (DEE17). Also called: Early infantile epileptic encephalopathy 17. Identifiers: Orphanet 1934, MedGen C3809606, MONDO:0014199, OMIM 615473.

Allele frequency attached by ClinVar (database versions not stated): gnomAD exomes 0.00002; TOPMed 0.00002; gnomAD 0.00003; ExAC 0.00005; ESP Exome Variant Server 0.00008.
gnomAD v4.1: 27 of 1,606,166 alleles (0.0017%); highest among the groups gnomAD compares: Middle Eastern, 0.016%; no homozygotes.

Submissions (2):

Labcorp Genetics (formerly Invitae), Labcorp
Classification: Likely benign for Early-infantile DEE. Last evaluated: 2023-04-14. Review status: criteria provided, single submitter. Criteria: Invitae Variant Classification Sherloc (09022015). Collection method: clinical testing. Allele origin: germline.

Center for Genomics, Ann and Robert H. Lurie Children's Hospital of Chicago
Classification: Uncertain significance for Developmental and epileptic encephalopathy, 17; Neurodevelopmental disorder with involuntary movements. Review status: criteria provided, single submitter. Criteria: ACMG Guidelines, 2015. Collection method: clinical testing. Allele origin: germline.
Comment: This variant has not been reported in the literature but is present in the Genome Aggregation Database (Highest reported MAF 0.007% (5/68050). Evolutionary conservation and computational predictive tools for this variant are limited or unavailable. This variant is an intronic variant with no predicted change in the amino acid sequence but may have an unknown effect on splicing. Splice prediction tools do not suggest that this variant may affect splicing. However, further studies are needed to understand its impact. In summary, data on this variant is insufficient for disease classification. Therefore, the clinical significance of this variant is uncertain